The following is an entry in ClinVar:

ClinVar aggregate classification (germline): Uncertain significance. Review status: criteria provided, multiple submitters, no conflicts (2 of 4 stars). 2 submissions from 2 submitters: Uncertain significance (2). Last evaluated 2025-02-03.

Conditions:
Autosomal recessive limb-girdle muscular dystrophy type 2A (LGMDR1). Also called: Calpainopathy; MUSCULAR DYSTROPHY, PELVOFEMORAL; Limb-girdle muscular dystrophy, type 2A; LEYDEN-MOEBIUS MUSCULAR DYSTROPHY; Muscular dystrophy, limb-girdle, type 2A, Amish. Identifiers: Orphanet 267, MedGen C1869123, MONDO:0009675, OMIM 253600. Disease mechanism: loss of function.

gnomAD v4.1: 1 of 1,614,058 alleles (0.000062%); no homozygotes.

Submissions (2):

Labcorp Genetics (formerly Invitae), Labcorp
Classification: Uncertain significance for Autosomal recessive limb-girdle muscular dystrophy type 2A. Last evaluated: 2025-02-03. Review status: criteria provided, single submitter. Criteria: Invitae Variant Classification Sherloc (09022015). Collection method: clinical testing. Allele origin: germline.
Comment: This sequence change replaces isoleucine, which is neutral and non-polar, with valine, which is neutral and non-polar, at codon 287 of the CAPN3 protein (p.Ile287Val). This variant is not present in population databases (gnomAD no frequency). This variant has not been reported in the literature in individuals affected with CAPN3-related conditions. ClinVar contains an entry for this variant (Variation ID: 1005896). Invitae Evidence Modeling of protein sequence and biophysical properties (such as structural, functional, and spatial information, amino acid conservation, physicochemical variation, residue mobility, and thermodynamic stability) indicates that this missense variant is expected to disrupt CAPN3 protein function with a positive predictive value of 80%. In summary, the available evidence is currently insufficient to determine the role of this variant in disease. Therefore, it has been classified as a Variant of Uncertain Significance.

Revvity Omics, Revvity
Classification: Uncertain significance. Last evaluated: 2020-09-14. Review status: criteria provided, single submitter. Criteria: ACMG Guidelines, 2015. Collection method: clinical testing. Allele origin: germline.

NM_000070.3(CAPN3):c.859A>G (p.Ile287Val)

Gene: CAPN3 (calpain 3; plus strand). Cytogenetic location: 15q15.1.
Variant type: single nucleotide variant.
Coding change: c.859A>G on transcript NM_000070.3 (MANE Select); coding-DNA position 859, A replaced by G.
Protein change: p.Ile287Val; replaces isoleucine 287 with valine.
Molecular consequence: missense variant. On other transcripts: intron variant (1).
Genome position (GRCh38, 1-based): chr15:42,390,010, A>G. VCF-style: chr15-42390010-A-G. GRCh37 (hg19) VCF-style: chr15-42682208-A-G.
Other names: c.859A>G (NM_000070.2); c.859A>G, p.Ile287Val (NM_024344.2); c.801+914A>G (NM_173087.2); short protein forms I287V.
Identifiers: ClinVar variation 1005896 (VCV001005896.16), dbSNP rs1595823793, ClinGen allele CA391998546.